The following is an entry in ClinVar:

ClinVar aggregate classification (germline): Pathogenic (1 of 4 stars; one submission).

Submission:

GeneDx
Classification: Pathogenic. Last evaluated: 2019-04-25. Review status: criteria provided, single submitter. Criteria: GeneDx Variant Classification Process June 2021. Collection method: clinical testing. Allele origin: germline. Affected: yes.
Comment: Nonsense variant predicted to result in protein truncation or nonsense mediated decay in a gene for which loss-of-function is a known mechanism of disease; Not observed in large population cohorts (Lek et al., 2016); Has not been previously published as pathogenic or benign to our knowledge

NM_173076.3(ABCA12):c.4108G>T (p.Glu1370Ter)

Gene: ABCA12 (ATP binding cassette subfamily A member 12; minus strand). Cytogenetic location: 2q35.
Variant type: single nucleotide variant.
Coding change: c.4108G>T on transcript NM_173076.3 (MANE Select); coding-DNA position 4108, G replaced by T.
Protein change: p.Glu1370Ter; replaces glutamic acid 1370 with a stop codon.
Molecular consequence: nonsense. On other transcripts: non-coding transcript variant (1).
Genome position (GRCh38, 1-based): chr2:214,986,597, C>A on the plus strand (G>T on the coding strand, the complement: ABCA12 is on the minus strand). VCF-style: chr2-214986597-C-A. GRCh37 (hg19) VCF-style: chr2-215851321-C-A.
Other names: c.3154G>T, p.Glu1052Ter (NM_015657.4); short protein forms E1370*, E1052*.
Identifiers: ClinVar variation 489320 (VCV000489320.4), dbSNP rs1553526002, ClinGen allele CA350463895.